The following is an entry in ClinVar:

NM_025137.4(SPG11):c.5109_5115dup (p.Lys1706delinsGlyTyrTer)

Gene: SPG11 (SPG11 vesicle trafficking associated, spatacsin; minus strand). Cytogenetic location: 15q21.1.
Variant type: Duplication.
Coding change: c.5109_5115dup on transcript NM_025137.4 (MANE Select); coding-DNA positions 5109 to 5115, 7 bases duplicated (GGTTATT; older notation c.5109_5115dupGGTTATT).
Protein change: p.Lys1706delinsGlyTyrTer.
Molecular consequence: nonsense.
Genome position (GRCh38, 1-based): chr15:44,585,642-44,585,648, AATAACC duplicated on the plus strand (GGTTATT on the coding strand, the reverse complement: SPG11 is on the minus strand); duplicating any 7 consecutive bases within chr15:44,585,642-44,585,650 gives the same sequence; the c. name uses the placement nearest the transcript's 3' end. VCF-style (leftmost placement, unchanged base first): chr15-44585641-T-TAATAACC. GRCh37 (hg19) VCF-style: chr15-44877839-T-TAATAACC.
Other names: c.5109_5115dup, p.Lys1706delinsGlyTyrTer (NM_001160227.2, NM_001411132.1).
Identifiers: ClinVar variation 2841245 (VCV002841245.4), dbSNP rs2505300947, ClinGen allele CA923726286.

ClinVar aggregate classification (germline): Pathogenic/Likely pathogenic. Review status: criteria provided, multiple submitters, no conflicts (2 of 4 stars). 2 submissions from 2 submitters: Pathogenic (1); Likely pathogenic (1). Last evaluated 2024-06-13.

Conditions:
Hereditary spastic paraplegia 11. Also called: Spastic Paraplegia 11; Spastic paraplegia, mental retardation and thin corpus callosum; SPASTIC PARAPLEGIA, AUTOSOMAL RECESSIVE, COMPLICATED, WITH THIN CORPUS CALLOSUM; SPASTIC PARAPLEGIA, AUTOSOMAL RECESSIVE, WITH MENTAL IMPAIRMENT AND THIN CORPUS CALLOSUM; Nakamura Osame syndrome; Autosomal recessive hereditary spastic paraplegia, mental impairment, and thin corpus callosum. Identifiers: Orphanet 2822, MedGen C1858479, MONDO:0011445, OMIM 604360.
Charcot-Marie-Tooth disease axonal type 2X. Also called: CHARCOT-MARIE-TOOTH DISEASE, AXONAL, AUTOSOMAL RECESSIVE, TYPE 2X; CHARCOT-MARIE-TOOTH NEUROPATHY, TYPE 2X. Identifiers: Orphanet 466775, MedGen C5569024, MONDO:0014726, OMIM 616668.
Amyotrophic lateral sclerosis type 5 (ALS5). Also called: AMYOTROPHIC LATERAL SCLEROSIS 5, JUVENILE. Identifiers: Orphanet 300605, MedGen C1865864, MONDO:0011196, OMIM 602099.

Submissions (2):

Fulgent Genetics
Classification: Likely pathogenic for Amyotrophic lateral sclerosis type 5; Hereditary spastic paraplegia 11; Charcot-Marie-Tooth disease axonal type 2X. Last evaluated: 2024-06-13. Review status: criteria provided, single submitter. Criteria: ACMG Guidelines, 2015. Collection method: clinical testing. Allele origin: germline.

Labcorp Genetics (formerly Invitae), Labcorp
Classification: Pathogenic for Hereditary spastic paraplegia 11. Last evaluated: 2023-02-27. Review status: criteria provided, single submitter. Criteria: Invitae Variant Classification Sherloc (09022015). Collection method: clinical testing. Allele origin: germline.
Comment: For these reasons, this variant has been classified as Pathogenic. This variant has not been reported in the literature in individuals affected with SPG11-related conditions. This variant is not present in population databases (gnomAD no frequency). This sequence change creates a premature translational stop signal (p.Lys1706Glyfs*3) in the SPG11 gene. It is expected to result in an absent or disrupted protein product. Loss-of-function variants in SPG11 are known to be pathogenic (PMID: 19105190, 20110243, 22154821, 26556829).

Literature cited by the submitters: PubMed 19105190 (cited by Labcorp Genetics (formerly Invitae), Labcorp); PubMed 20110243 (cited by Labcorp Genetics (formerly Invitae), Labcorp); PubMed 22154821 (cited by Labcorp Genetics (formerly Invitae), Labcorp); PubMed 26556829 (cited by Labcorp Genetics (formerly Invitae), Labcorp).